The following is an entry in ClinVar:

ClinVar aggregate classification (germline): Uncertain significance (1 of 4 stars; one submission).

Allele frequency attached by ClinVar (database versions not stated): gnomAD exomes 0.00002.

Submission:

Labcorp Genetics (formerly Invitae), Labcorp
Classification: Uncertain significance. Last evaluated: 2021-12-13. Review status: criteria provided, single submitter. Criteria: Invitae Variant Classification Sherloc (09022015). Collection method: clinical testing. Allele origin: germline.
Comment: Algorithms developed to predict the effect of missense changes on protein structure and function output the following: SIFT: "Tolerated"; PolyPhen-2: "Benign"; Align-GVGD: "Class C0". The histidine amino acid residue is found in multiple mammalian species, which suggests that this missense change does not adversely affect protein function. In summary, the available evidence is currently insufficient to determine the role of this variant in disease. Therefore, it has been classified as a Variant of Uncertain Significance. This variant has not been reported in the literature in individuals affected with HPS6-related conditions. This sequence change replaces glutamine, which is neutral and polar, with histidine, which is basic and polar, at codon 467 of the HPS6 protein (p.Gln467His). This variant is not present in population databases (gnomAD no frequency).

NM_024747.6(HPS6):c.1401G>C (p.Gln467His)

Gene: HPS6 (HPS6 biogenesis of lysosomal organelles complex 2 subunit 3; plus strand). Cytogenetic location: 10q24.32.
Variant type: single nucleotide variant.
Coding change: c.1401G>C on transcript NM_024747.6 (MANE Select); coding-DNA position 1401, G replaced by C.
Protein change: p.Gln467His; replaces glutamine 467 with histidine.
Molecular consequence: missense variant.
Genome position (GRCh38, 1-based): chr10:102,066,875, G>C. VCF-style: chr10-102066875-G-C. GRCh37 (hg19) VCF-style: chr10-103826632-G-C.
Other names: short protein forms Q467H.
Identifiers: ClinVar variation 2041314 (VCV002041314.4), dbSNP rs2540987950, ClinGen allele CA377867208.
Genomic context (GRCh38, chr10:102,066,875, plus strand): 5'-CCCATCTGCACTGCTGACCATGTTGAGGACCGAGCTTCGGGATTACCGAGGCTTAGAACA[G>C]CTGAAGGCCCAGCTGGTGGCTGGGGATGATGAGGAGGCTGGTTGGACTGAGCTGGCGGAG-3'
Protein context (NP_079023.2, residues 457-477): TELRDYRGLE[Gln467His]LKAQLVAGDD